The following is an entry in ClinVar:

NM_001127644.2(GABRA1):c.975C>A (p.Phe325Leu)

Gene: GABRA1 (gamma-aminobutyric acid type A receptor subunit alpha1; plus strand). Cytogenetic location: 5q34.
Variant type: single nucleotide variant.
Coding change: c.975C>A on transcript NM_001127644.2 (MANE Select); coding-DNA position 975, C replaced by A.
Protein change: p.Phe325Leu; replaces phenylalanine 325 with leucine.
Molecular consequence: missense variant.
Genome position (GRCh38, 1-based): chr5:161,895,784, C>A. VCF-style: chr5-161895784-C-A. GRCh37 (hg19) VCF-style: chr5-161322790-C-A.
Other names: c.975C>A, p.Phe325Leu (NM_000806.5, NM_001127643.2, NM_001127645.2 and 1 more transcripts); short protein forms F325L.
Identifiers: ClinVar variation 1349381 (VCV001349381.6), dbSNP rs2113464798, ClinGen allele CA362180322.
Genomic context (GRCh38, chr5:161,895,784, plus strand): 5'-TAAGGTGGCTTATGCAACAGCTATGGATTGGTTTATTGCCGTGTGCTATGCCTTTGTGTT[C>A]TCAGCTCTGATTGAGTTTGCCACAGTAAACTATTTCACTAAGAGAGGTTATGCATGGGAT-3'
Protein context (NP_001121116.1, residues 315-335): WFIAVCYAFV[Phe325Leu]SALIEFATVN

ClinVar aggregate classification (germline): Pathogenic (1 of 4 stars; one submission).

Conditions:
Idiopathic generalized epilepsy. Also called: EIG; Generalised epilepsy. Identifiers: MedGen C0270850, MONDO:0005579, OMIM 600669.
Epilepsy, idiopathic generalized, susceptibility to, 13. Also called: EPILEPSY, JUVENILE MYOCLONIC, SUSCEPTIBILITY TO, 5. Identifiers: Orphanet 307, Orphanet 64280, MedGen C4013473, MONDO:0012627, OMIM 611136.
Epilepsy, childhood absence 4 (ECA4). Also called: EPILEPSY, CHILDHOOD ABSENCE, SUSCEPTIBILITY TO, 4. Identifiers: Orphanet 307, MedGen C1970160.

Submission:

Labcorp Genetics (formerly Invitae), Labcorp
Classification: Pathogenic for Epilepsy, childhood absence 4; Epilepsy, idiopathic generalized, susceptibility to, 13; Idiopathic generalized epilepsy. Last evaluated: 2022-11-29. Review status: criteria provided, single submitter. Criteria: Invitae Variant Classification Sherloc (09022015). Collection method: clinical testing. Allele origin: germline.
Comment: For these reasons, this variant has been classified as Pathogenic. This sequence change replaces phenylalanine, which is neutral and non-polar, with leucine, which is neutral and non-polar, at codon 325 of the GABRA1 protein (p.Phe325Leu). This variant is not present in population databases (gnomAD no frequency). This missense change has been observed in individual(s) with clinical features of GABRA1-related conditions (PMID: 31164858; Invitae). In at least one individual the variant was observed to be de novo. ClinVar contains an entry for this variant (Variation ID: 1349381). Advanced modeling of protein sequence and biophysical properties (such as structural, functional, and spatial information, amino acid conservation, physicochemical variation, residue mobility, and thermodynamic stability) performed at Invitae indicates that this missense variant is expected to disrupt GABRA1 protein function.

Literature cited by the submitters: PubMed 31164858.